The following is an entry in ClinVar:

ClinVar aggregate classification (germline): Uncertain significance. Review status: criteria provided, multiple submitters, no conflicts (2 of 4 stars). 3 submissions from 3 submitters: Uncertain significance (3). Last evaluated 2023-10-01.

Conditions:
Hereditary cancer-predisposing syndrome. Also called: Neoplastic Syndromes, Hereditary; Hereditary Cancer Syndrome; Hereditary neoplastic syndrome; Tumor predisposition. Identifiers: Orphanet 140162, MedGen C0027672, MeSH D009386, MONDO:0015356.
Neuroblastoma, susceptibility to, 3. Also called: ALK-Related Neuroblastic Tumor Susceptibility. Identifiers: Orphanet 635, MedGen C2751681, MONDO:0013083, OMIM 613014.

Allele frequency attached by ClinVar (database versions not stated): gnomAD exomes below 0.00001.
gnomAD v4.1: 2 of 1,607,484 alleles (0.00012%); highest among the groups gnomAD compares: Non-Finnish European, 0.00017%; no homozygotes.

Submissions (3):

Baylor Genetics
Classification: Uncertain significance for Neuroblastoma, susceptibility to, 3. Last evaluated: 2023-10-01. Review status: criteria provided, single submitter. Criteria: ACMG Guidelines, 2015. Collection method: clinical testing. Allele origin: unknown.

Ambry Genetics
Classification: Uncertain significance for Hereditary cancer-predisposing syndrome. Last evaluated: 2023-09-21. Review status: criteria provided, single submitter. Criteria: Ambry Variant Classification Scheme 2023. Collection method: clinical testing. Allele origin: germline.
Comment: The p.P75L variant (also known as c.224C>T), located in coding exon 1 of the ALK gene, results from a C to T substitution at nucleotide position 224. The proline at codon 75 is replaced by leucine, an amino acid with similar properties. This amino acid position is conserved. In addition, this alteration is predicted to be tolerated by in silico analysis. Since supporting evidence is limited at this time, the clinical significance of this alteration remains unclear.

Labcorp Genetics (formerly Invitae), Labcorp
Classification: Uncertain significance for Neuroblastoma, susceptibility to, 3. Last evaluated: 2021-10-07. Review status: criteria provided, single submitter. Criteria: Invitae Variant Classification Sherloc (09022015). Collection method: clinical testing. Allele origin: germline.
Comment: Algorithms developed to predict the effect of missense changes on protein structure and function output the following: SIFT: "Tolerated"; PolyPhen-2: "Benign"; Align-GVGD: "Class C0". The leucine amino acid residue is found in multiple mammalian species, which suggests that this missense change does not adversely affect protein function. In summary, the available evidence is currently insufficient to determine the role of this variant in disease. Therefore, it has been classified as a Variant of Uncertain Significance. This variant has not been reported in the literature in individuals affected with ALK-related conditions. This variant is not present in population databases (ExAC no frequency). This sequence change replaces proline with leucine at codon 75 of the ALK protein (p.Pro75Leu). The proline residue is weakly conserved and there is a moderate physicochemical difference between proline and leucine.

NM_004304.5(ALK):c.224C>T (p.Pro75Leu)

Gene: ALK (ALK receptor tyrosine kinase; minus strand). Cytogenetic location: 2p23.1.
Variant type: single nucleotide variant.
Coding change: c.224C>T on transcript NM_004304.5 (MANE Select); coding-DNA position 224, C replaced by T.
Protein change: p.Pro75Leu; replaces proline 75 with leucine.
Molecular consequence: missense variant.
Genome position (GRCh38, 1-based): chr2:29,920,436, G>A on the plus strand (C>T on the coding strand, the complement: ALK is on the minus strand). VCF-style: chr2-29920436-G-A. GRCh37 (hg19) VCF-style: chr2-30143302-G-A.
Other names: short protein forms P75L.
Identifiers: ClinVar variation 847043 (VCV000847043.9), dbSNP rs1667963680, ClinGen allele CA346590450.